The following is an entry in ClinVar:

ClinVar aggregate classification (germline): Uncertain significance (1 of 4 stars; one submission).

Submission:

Labcorp Genetics (formerly Invitae), Labcorp
Classification: Uncertain significance. Last evaluated: 2023-06-21. Review status: criteria provided, single submitter. Criteria: Invitae Variant Classification Sherloc (09022015). Collection method: clinical testing. Allele origin: germline.
Comment: In summary, the available evidence is currently insufficient to determine the role of this variant in disease. Therefore, it has been classified as a Variant of Uncertain Significance. An algorithm developed to predict the effect of missense changes on protein structure and function (PolyPhen-2) suggests that this variant is likely to be tolerated. This variant has not been reported in the literature in individuals affected with MICAL1-related conditions. This variant is not present in population databases (gnomAD no frequency). This sequence change replaces glycine, which is neutral and non-polar, with alanine, which is neutral and non-polar, at codon 62 of the MICAL1 protein (p.Gly62Ala).

NM_022765.4(MICAL1):c.128G>C (p.Gly43Ala)

Gene: MICAL1 (microtubule associated monooxygenase, calponin and LIM domain containing 1; minus strand). Cytogenetic location: 6q21.
Variant type: single nucleotide variant.
Coding change: c.128G>C on transcript NM_022765.4 (MANE Select); coding-DNA position 128, G replaced by C.
Protein change: p.Gly43Ala; replaces glycine 43 with alanine.
Molecular consequence: missense variant.
Genome position (GRCh38, 1-based): chr6:109,454,069, C>G on the plus strand (G>C on the coding strand, the complement: MICAL1 is on the minus strand). VCF-style: chr6-109454069-C-G. GRCh37 (hg19) VCF-style: chr6-109775272-C-G.
Other names: c.128G>C, p.Gly43Ala (NM_001159291.2); c.185G>C, p.Gly62Ala (NM_001286613.2); short protein forms G43A, G62A.
Identifiers: ClinVar variation 2721860 (VCV002721860.3), dbSNP rs934055292, ClinGen allele CA365234002.